The following is an entry in ClinVar:

ClinVar aggregate classification (germline): Uncertain significance. Review status: criteria provided, multiple submitters, no conflicts (2 of 4 stars). 2 submissions from 2 submitters: Uncertain significance (2). Last evaluated 2024-01-19.

Conditions:
Inborn genetic diseases. Identifiers: MedGen C0950123, MeSH D030342.
Axenfeld-Rieger syndrome type 3 (RIEG3). Also called: AXENFELD-RIEGER ANOMALY WITH CARDIAC DEFECTS AND/OR SENSORINEURAL HEARING LOSS. Identifiers: Orphanet 782, MedGen C2678503, MONDO:0011233, OMIM 602482.

Allele frequency attached by ClinVar (database versions not stated): gnomAD exomes 0.00001.
gnomAD v4.1: 3 of 1,366,914 alleles (0.00022%); highest among the groups gnomAD compares: Non-Finnish European, 0.00029%; no homozygotes.

Submissions (2):

Labcorp Genetics (formerly Invitae), Labcorp
Classification: Uncertain significance for Axenfeld-Rieger syndrome type 3. Last evaluated: 2024-01-19. Review status: criteria provided, single submitter. Criteria: Invitae Variant Classification Sherloc (09022015). Collection method: clinical testing. Allele origin: germline.
Comment: This sequence change replaces proline, which is neutral and non-polar, with threonine, which is neutral and polar, at codon 216 of the FOXC1 protein (p.Pro216Thr). The frequency data for this variant in the population databases is considered unreliable, as metrics indicate poor data quality at this position in the gnomAD database. This variant has not been reported in the literature in individuals affected with FOXC1-related conditions. ClinVar contains an entry for this variant (Variation ID: 1427761). An algorithm developed to predict the effect of missense changes on protein structure and function (PolyPhen-2) suggests that this variant is likely to be tolerated. In summary, the available evidence is currently insufficient to determine the role of this variant in disease. Therefore, it has been classified as a Variant of Uncertain Significance.

Ambry Genetics
Classification: Uncertain significance for Inborn genetic diseases. Last evaluated: 2023-09-29. Review status: criteria provided, single submitter. Criteria: Ambry Variant Classification Scheme 2023. Collection method: clinical testing. Allele origin: germline.

NM_001453.3(FOXC1):c.646C>A (p.Pro216Thr)

Gene: FOXC1 (forkhead box C1; plus strand). Cytogenetic location: 6p25.3.
Variant type: single nucleotide variant.
Coding change: c.646C>A on transcript NM_001453.3 (MANE Select); coding-DNA position 646, C replaced by A.
Protein change: p.Pro216Thr; replaces proline 216 with threonine.
Molecular consequence: missense variant.
Genome position (GRCh38, 1-based): chr6:1,611,091, C>A. VCF-style: chr6-1611091-C-A. GRCh37 (hg19) VCF-style: chr6-1611326-C-A.
Other names: c.646C>A (NM_001453.2); short protein forms P216T.
Identifiers: ClinVar variation 1427761 (VCV001427761.7), dbSNP rs1419864390, ClinGen allele CA362559274.